The following is an entry in ClinVar:

NM_015702.3(MMADHC):c.787A>T (p.Lys263Ter)

Gene: MMADHC (metabolism of cobalamin associated D; minus strand). Cytogenetic location: 2q23.2.
Variant type: single nucleotide variant.
Coding change: c.787A>T on transcript NM_015702.3 (MANE Select); coding-DNA position 787, A replaced by T.
Protein change: p.Lys263Ter; replaces lysine 263 with a stop codon.
Molecular consequence: nonsense.
Genome position (GRCh38, 1-based): chr2:149,570,078, T>A on the plus strand (A>T on the coding strand, the complement: MMADHC is on the minus strand). VCF-style: chr2-149570078-T-A. GRCh37 (hg19) VCF-style: chr2-150426592-T-A.
Other names: short protein forms K263*.
Identifiers: ClinVar variation 2112290 (VCV002112290.4), dbSNP rs745511129, ClinGen allele CA348869134.

ClinVar aggregate classification (germline): Uncertain significance (1 of 4 stars; one submission).

Conditions:
Methylmalonic aciduria and homocystinuria type cblD (MAHCD). Also called: Methylmalonic aciduria with homocystinuria cblD type; METHYLMALONIC ACIDEMIA, cblH TYPE. Identifiers: Orphanet 622, Orphanet 79283, MedGen C1848552, MONDO:0010185, OMIM 277410.

Submission:

Labcorp Genetics (formerly Invitae), Labcorp
Classification: Uncertain significance for Methylmalonic aciduria and homocystinuria type cblD. Last evaluated: 2022-03-15. Review status: criteria provided, single submitter. Criteria: Invitae Variant Classification Sherloc (09022015). Collection method: clinical testing. Allele origin: germline.
Comment: This sequence change creates a premature translational stop signal (p.Lys263*) in the MMADHC gene. While this is not anticipated to result in nonsense mediated decay, it is expected to disrupt the last 34 amino acid(s) of the MMADHC protein. This variant is not present in population databases (gnomAD no frequency). This variant has not been reported in the literature in individuals affected with MMADHC-related conditions. Experimental studies and prediction algorithms are not available or were not evaluated, and the functional significance of this variant is currently unknown. In summary, the available evidence is currently insufficient to determine the role of this variant in disease. Therefore, it has been classified as a Variant of Uncertain Significance.